The following is an entry in ClinVar:

ClinVar aggregate classification (germline): Benign/Likely benign. Review status: criteria provided, multiple submitters, no conflicts (2 of 4 stars). 10 submissions from 10 submitters: Benign (4); Likely benign (4). 2 of the submissions do not count toward it. Last evaluated 2026-01-27.

Conditions:
Worth disease. Also called: Autosomal dominant osteosclerosis, Worth type; OSTEOSCLEROSIS, AUTOSOMAL DOMINANT; ENDOSTEAL HYPEROSTOSIS, AUTOSOMAL DOMINANT. Identifiers: Orphanet 2790, MedGen C0432273, MONDO:0007764, OMIM 144750.
Osteoporosis. Identifiers: MedGen C0029456, MONDO:0005298, OMIM 166710, HP:0000939.
Exudative vitreoretinopathy 1 (EVR1). Also called: FEVR, AUTOSOMAL DOMINANT; Familial exudative vitreoretinopathy, autosomal dominant; CRISWICK-SCHEPENS SYNDROME. Identifiers: Orphanet 891, Orphanet 90050, MedGen C1851402, MONDO:0007589, OMIM 133780.
Bone mineral density quantitative trait locus 1 (BMND1). Identifiers: MedGen C1866079, OMIM 601884.
Exudative vitreoretinopathy 4 (EVR4). Identifiers: Orphanet 891, MedGen C1866176, MONDO:0011151, OMIM 601813.
Osteoporosis with pseudoglioma (OPPG). Also called: osteoporosis-pseudoglioma syndrome. Identifiers: Orphanet 2788, MedGen C0432252, MONDO:0009820, OMIM 259770.
Autosomal dominant osteopetrosis 1 (OPTA1). Also called: OSTEOPETROSIS, AUTOSOMAL DOMINANT, TYPE I. Identifiers: Orphanet 2783, MedGen C1843330, MONDO:0011877, OMIM 607634.
Polycystic liver disease 4 with or without kidney cysts. Identifiers: MedGen C4693479, MONDO:0044327, OMIM 617875.

Allele frequency attached by ClinVar (database versions not stated): gnomAD exomes 0.00078; ExAC 0.00100; gnomAD 0.00302 and 0.00322; TOPMed 0.00379; ESP Exome Variant Server 0.00393; 1000 Genomes Project 30x 0.00406; 1000 Genomes Project 0.00439.
gnomAD v4.1: 908 of 1,614,058 alleles (0.056%); highest among the groups gnomAD compares: African/African-American, 1%; 6 homozygotes.

Submissions (10):

Labcorp Genetics (formerly Invitae), Labcorp
Classification: Benign. Last evaluated: 2026-01-27. Review status: criteria provided, single submitter. Criteria: Invitae Variant Classification Sherloc (09022015). Collection method: clinical testing. Allele origin: germline.

Blueprint Genetics
Classification: Likely benign. Last evaluated: 2024-11-06. Review status: criteria provided, single submitter. Criteria: ACMG Guidelines, 2015. Collection method: clinical testing. Allele origin: germline.

CeGaT Center for Human Genetics Tuebingen
Classification: Benign. Last evaluated: 2024-02-01. Review status: criteria provided, single submitter. Criteria: CeGaT Center For Human Genetics Tuebingen Variant Classification Criteria Version 2. Collection method: clinical testing. Allele origin: germline. Affected: yes. Observed: 2 variant alleles.
Comment: LRP5: BP4, BP7, BS1, BS2

ARUP Laboratories, Molecular Genetics and Genomics, ARUP Laboratories
Classification: Benign. Last evaluated: 2023-11-07. Review status: criteria provided, single submitter. Criteria: ARUP Molecular Germline Variant Investigation Process 2024. Collection method: clinical testing. Allele origin: germline.

Fulgent Genetics
Classification: Likely benign for Exudative vitreoretinopathy 1; Worth disease; Osteoporosis; Osteoporosis with pseudoglioma; Exudative vitreoretinopathy 4; Bone mineral density quantitative trait locus 1; Autosomal dominant osteopetrosis 1; Polycystic liver disease 4 with or without kidney cysts. Last evaluated: 2021-08-12. Review status: criteria provided, single submitter. Criteria: ACMG Guidelines, 2015. Collection method: clinical testing. Allele origin: unknown.

Genetic Services Laboratory, University of Chicago
Classification: Likely benign. Last evaluated: 2021-06-28. Review status: criteria provided, single submitter. Criteria: ACMG Guidelines, 2015. Collection method: clinical testing. Allele origin: germline. Affected: no.

GeneDx
Classification: Benign. Last evaluated: 2019-04-03. Review status: criteria provided, single submitter. Criteria: GeneDx Variant Classification Process June 2021. Collection method: clinical testing. Allele origin: germline. Affected: yes.

Breakthrough Genomics
Classification: Likely benign. Review status: criteria provided, single submitter. Criteria: ACMG Guidelines, 2015. Collection method: not provided. Allele origin: germline. Inheritance: Autosomal recessive inheritance. Affected: yes.

Clinical Genetics DNA and cytogenetics Diagnostics Lab, Erasmus MC, Erasmus Medical Center
Classification: Benign. Review status: no assertion criteria provided. Collection method: clinical testing. Allele origin: germline. Affected: yes. Study: VKGL Data-share Consensus. Not counted in ClinVar's aggregate classification.

Clinical Genetics, Academic Medical Center
Classification: Likely benign. Review status: no assertion criteria provided. Collection method: clinical testing. Allele origin: germline. Affected: yes. Study: VKGL Data-share Consensus. Not counted in ClinVar's aggregate classification.

NM_002335.4(LRP5):c.2139G>A (p.Val713=)

Gene: LRP5 (LDL receptor related protein 5; plus strand). Cytogenetic location: 11q13.2.
Variant type: single nucleotide variant.
Coding change: c.2139G>A on transcript NM_002335.4 (MANE Select); coding-DNA position 2139, G replaced by A.
Protein change: p.Val713=; no amino-acid change (valine 713 retained).
Molecular consequence: synonymous variant.
Genome position (GRCh38, 1-based): chr11:68,409,961, G>A. VCF-style: chr11-68409961-G-A. GRCh37 (hg19) VCF-style: chr11-68177429-G-A.
Other names: c.396G>A, p.Val132= (NM_001291902.2).
Identifiers: ClinVar variation 382550 (VCV000382550.48), dbSNP rs34369535, ClinGen allele CA6149549.